The following is an entry in ClinVar:

NM_001083116.3(PRF1):c.*209del

Gene: PRF1 (perforin 1; minus strand). Cytogenetic location: 10q22.1.
Variant type: Deletion.
Coding change: c.*209del on transcript NM_001083116.3 (MANE Select); 209 bases downstream of the stop codon, one base deleted (T; older notation c.*209delT).
Molecular consequence: 3 prime UTR variant.
Genome position (GRCh38, 1-based): chr10:70,597,844, A deleted on the plus strand (T on the coding strand, the reverse complement: PRF1 is on the minus strand); the first of 16 consecutive A bases (chr10:70,597,844-70,597,859); deleting any one gives the same sequence. VCF-style (leftmost placement, unchanged base first): chr10-70597843-TA-T. GRCh37 (hg19) VCF-style: chr10-72357599-TA-T.
Other names: c.*209del (NM_005041.6).
Identifiers: ClinVar variation 300321 (VCV000300321.8), dbSNP rs34914326, ClinGen allele CA10631964.

ClinVar aggregate classification (germline): Benign. Review status: criteria provided, multiple submitters, no conflicts (2 of 4 stars). 2 submissions from 2 submitters: Benign (2). Last evaluated 2024-01-24.

Submissions (2):

Unidad de Genómica Garrahan, Hospital de Pediatría Garrahan
Classification: Benign. Last evaluated: 2024-01-24. Review status: criteria provided, single submitter. Criteria: ACMG Guidelines, 2015. Collection method: clinical testing. Allele origin: germline. Affected: no. Observed: 59 variant alleles.
Comment: This variant is classified as Benign based on local population frequency. This variant was detected in 67% of patients studied by a panel of primary immunodeficiencies. Number of patients: 59. Only high quality variants are reported.

GeneDx
Classification: Benign. Last evaluated: 2021-06-19. Review status: criteria provided, single submitter. Criteria: GeneDx Variant Classification Process June 2021. Collection method: clinical testing. Allele origin: germline. Affected: yes.